The following is an entry in ClinVar:

ClinVar aggregate classification (germline): Conflicting classifications of pathogenicity. Review status: criteria provided, conflicting classifications (1 of 4 stars). 13 submissions from 13 submitters: Uncertain significance (5); Benign (2); Likely benign (4). 2 of the submissions do not count toward it. Last evaluated 2026-02-25.

Conditions:
Congenital bilateral aplasia of vas deferens from CFTR mutation (CBAVD). Identifiers: Orphanet 48, MedGen C0403814, MONDO:0010178, OMIM 277180. Disease mechanism: loss of function.
Cystic fibrosis (CF). Also called: MUCOVISCIDOSIS. Identifiers: Orphanet 586, MedGen C0010674, MONDO:0009061, OMIM 219700. Disease mechanism: loss of function.

Allele frequency attached by ClinVar (database versions not stated): ESP Exome Variant Server 0.00015; gnomAD 0.00041 and 0.00046; TOPMed 0.00046; gnomAD exomes 0.00059 and 0.00089; 1000 Genomes Project 0.00060; ExAC 0.00068; 1000 Genomes Project 30x 0.00078.
gnomAD v4.1: 1,370 of 1,612,446 alleles (0.085%); highest among the groups gnomAD compares: South Asian, 0.35%; 4 homozygotes.

Submissions (13):

Women's Health and Genetics/Laboratory Corporation of America, LabCorp
Classification: Likely benign. Last evaluated: 2026-02-25. Review status: criteria provided, single submitter. Criteria: LabCorp Variant Classification Summary - May 2015. Collection method: clinical testing. Allele origin: germline.
Comment: Variant summary: CFTR c.3469-17T>C alters a nucleotide located at a position not widely known to affect splicing. Consensus agreement among computation tools predict no significant impact on normal splicing. However, these predictions have yet to be confirmed by functional studies. The variant allele was found at a frequency of 0.00059 in 250506 control chromosomes, predominantly at a frequency of 0.0033 within the South Asian subpopulation in the gnomAD database, including 1 homozygote. This frequency is not significantly higher than estimated for disease-causing variants in CFTR, allowing no conclusion about variant significance. c.3469-17T>C has been observed as non-informative genotypes (second allele and/or phase not specified) in cohorts of individuals affected with Cystic Fibrosis, diffuse bronchiectasis and azoospermia (e.g. Audrezet_1993, Claustres_2000, Scotet_2003, Gallati_2009, Soltysova_2018, Vaidyanathan_2022) but it was also reported in healthy controls (e.g. Bergougnoux_2015). These reports do not provide unequivocal conclusions about association of the variant with Cystic Fibrosis. The variant was found to co-occur with two other deleterious CFTR variants (c.1393-1G>A and c.5T_TG12) in at-least one specimen tested at our laboratory. The phase of this variant was not determined, however it provides supporting evidence for a benign role. To our knowledge, no experimental evidence demonstrating an impact on protein function has been reported. The following publications have been ascertained in the context of this evaluation (PMID: 7683952, 25797027, 10923036, 18685558, 20021716, 28456595, 26847993, 17890437, 12815607, 28544683, 35857025, 23503723). ClinVar contains an entry for this variant (Variation ID: 53751). Based on the evidence outlined above, the variant was classified as likely benign.

Labcorp Genetics (formerly Invitae), Labcorp
Classification: Benign for Cystic fibrosis. Last evaluated: 2026-01-31. Review status: criteria provided, single submitter. Criteria: Invitae Variant Classification Sherloc (09022015). Collection method: clinical testing. Allele origin: germline.

ARUP Laboratories, Molecular Genetics and Genomics, ARUP Laboratories
Classification: Likely benign. Last evaluated: 2025-07-14. Review status: criteria provided, single submitter. Criteria: ARUP Molecular Germline Variant Investigation Process 2024. Collection method: clinical testing. Allele origin: germline.

Quest Diagnostics Nichols Institute San Juan Capistrano
Classification: Uncertain significance. Last evaluated: 2025-07-02. Review status: criteria provided, single submitter. Criteria: Quest Diagnostics criteria. Collection method: clinical testing. Allele origin: unknown.
Comment: The CFTR c.3469-17T>C variant has been reported in the published literature in individuals with cystic fibrosis (PMID: 7683952 (1993), 12815607 (2003), 28544683 (2017)) and CFTR-RD, including azoospermia (PMID: 20021716 (2009), 28456595 (2017)) as well as in unaffected individuals (PMID: 17890437 (2007)). The frequency of this variant in the general population (Genome Aggregation Database) is uninformative in the assessment of its pathogenicity. Analysis of this variant using software algorithms for the prediction of the effect of nucleotide changes on splicing yielded predictions that this variant does not affect CFTR mRNA splicing. Based on the available information, we are unable to determine the clinical significance of this variant.

Blueprint Genetics
Classification: Likely benign. Last evaluated: 2024-10-23. Review status: criteria provided, single submitter. Criteria: ACMG Guidelines, 2015. Collection method: clinical testing. Allele origin: germline.

Ambry Genetics
Classification: Benign for Cystic fibrosis. Last evaluated: 2022-11-03. Review status: criteria provided, single submitter. Criteria: Ambry Variant Classification Scheme 2023. Collection method: clinical testing. Allele origin: germline.

GeneDx
Classification: Uncertain significance. Last evaluated: 2022-04-16. Review status: criteria provided, single submitter. Criteria: GeneDx Variant Classification Process June 2021. Collection method: clinical testing. Allele origin: germline. Affected: yes.
Comment: Also known as c.3601-17T>C, observed in individuals with cystic fibrosis, but additional information was not provided (Audrezet et al., 1993; Soltysova et al., 2018); In silico analysis supports that this variant does not alter splicing; This variant is associated with the following publications: (PMID: 26847993, 28456595, 20021716, 10439967, 17890437, 18685558, 23503723, 25797027, 28544683, 10923036, 12815607, 34426522, 7683952)

Genome Diagnostics Laboratory, The Hospital for Sick Children
Classification: Uncertain significance for Cystic fibrosis. Last evaluated: 2021-07-26. Review status: criteria provided, single submitter. Criteria: ACMG Guidelines, 2015. Collection method: clinical testing. Allele origin: germline.

Eurofins Ntd Llc (ga)
Classification: Uncertain significance. Last evaluated: 2018-03-15. Review status: criteria provided, single submitter. Criteria: EGL ClinVar v180209 classification definitions. Collection method: clinical testing. Allele origin: germline. Observed: 7 variant alleles, 7 heterozygotes.

Juno Genomics, Hangzhou Juno Genomics, Inc
Classification: Uncertain significance for Congenital bilateral aplasia of vas deferens from CFTR mutation. Review status: criteria provided, single submitter. Criteria: ACMG Guidelines, 2015. Collection method: clinical testing. Allele origin: germline. Affected: yes.
Comment: Absent from controls (or at extremely low frequency if recessive) in Genome Aggregation Database, Exome Sequencing Project, 1000 Genomes Project, or Exome Aggregation Consortium.;For recessive disorders, detected in trans with a pathogenic variant.

PreventionGenetics, part of Exact Sciences
Classification: Likely benign. Review status: criteria provided, single submitter. Criteria: ACMG Guidelines, 2015. Collection method: clinical testing. Allele origin: germline.

Clinical Genetics DNA and cytogenetics Diagnostics Lab, Erasmus MC, Erasmus Medical Center
Classification: Benign. Review status: no assertion criteria provided. Collection method: clinical testing. Allele origin: germline. Affected: yes. Study: VKGL Data-share Consensus. Not counted in ClinVar's aggregate classification.

Diagnostic Laboratory, Department of Genetics, University Medical Center Groningen
Classification: Likely benign. Review status: no assertion criteria provided. Collection method: clinical testing. Allele origin: germline. Affected: yes. Study: VKGL Data-share Consensus. Not counted in ClinVar's aggregate classification.

Literature cited by the submitters: PubMed 12815607 (cited by 3 submitters); PubMed 10923036 (cited by Women's Health and Genetics/Laboratory Corporation of America, LabCorp); PubMed 17890437 (cited by Women's Health and Genetics/Laboratory Corporation of America, LabCorp and Quest Diagnostics Nichols Institute San Juan Capistrano); PubMed 20021716 (cited by Women's Health and Genetics/Laboratory Corporation of America, LabCorp and Quest Diagnostics Nichols Institute San Juan Capistrano); PubMed 7683952 (cited by 3 submitters); PubMed 18685558 (cited by Women's Health and Genetics/Laboratory Corporation of America, LabCorp and Quest Diagnostics Nichols Institute San Juan Capistrano); PubMed 23503723 (cited by Women's Health and Genetics/Laboratory Corporation of America, LabCorp and Quest Diagnostics Nichols Institute San Juan Capistrano); PubMed 25797027 (cited by Women's Health and Genetics/Laboratory Corporation of America, LabCorp); PubMed 26847993 (cited by Women's Health and Genetics/Laboratory Corporation of America, LabCorp and Quest Diagnostics Nichols Institute San Juan Capistrano); PubMed 28544683 (cited by Women's Health and Genetics/Laboratory Corporation of America, LabCorp and Quest Diagnostics Nichols Institute San Juan Capistrano); PubMed 28456595 (cited by Women's Health and Genetics/Laboratory Corporation of America, LabCorp and Quest Diagnostics Nichols Institute San Juan Capistrano); PubMed 35857025 (cited by Women's Health and Genetics/Laboratory Corporation of America, LabCorp); PubMed 10439967 (cited by Quest Diagnostics Nichols Institute San Juan Capistrano).

NM_000492.4(CFTR):c.3469-17T>C

Genes: CFTR-AS2 (CFTR antisense RNA 2; minus strand), CFTR (CF transmembrane conductance regulator; plus strand). Cytogenetic location: 7q31.2.
Variant type: single nucleotide variant.
Coding change: c.3469-17T>C on transcript NM_000492.4 (MANE Select); 17 bases into the intron before coding-DNA position 3469, T replaced by C.
Molecular consequence: intron variant.
Genome position (GRCh38, 1-based): chr7:117,627,505, T>C. VCF-style: chr7-117627505-T-C. GRCh37 (hg19) VCF-style: chr7-117267559-T-C.
Identifiers: ClinVar variation 53751 (VCV000053751.44), dbSNP rs199630678, ClinGen allele CA327200.